The following is an entry in ClinVar:

NM_000271.5(NPC1):c.2638A>C (p.Ser880Arg)

Gene: NPC1 (NPC intracellular cholesterol transporter 1; minus strand). Cytogenetic location: 18q11.2.
Variant type: single nucleotide variant.
Coding change: c.2638A>C on transcript NM_000271.5 (MANE Select); coding-DNA position 2638, A replaced by C.
Protein change: p.Ser880Arg; replaces serine 880 with arginine.
Molecular consequence: missense variant.
Genome position (GRCh38, 1-based): chr18:23,539,968, T>G on the plus strand (A>C on the coding strand, the complement: NPC1 is on the minus strand). VCF-style: chr18-23539968-T-G. GRCh37 (hg19) VCF-style: chr18-21119932-T-G.
Other names: c.2638A>C (NM_000271.4); short protein forms S880R.
Identifiers: ClinVar variation 1437020 (VCV001437020.5), dbSNP rs2145374045, ClinGen allele CA401792972.

ClinVar aggregate classification (germline): Uncertain significance. Review status: criteria provided, multiple submitters, no conflicts (2 of 4 stars). 3 submissions from 3 submitters: Uncertain significance (3). Last evaluated 2023-10-25.

Conditions:
Inborn genetic diseases. Identifiers: MedGen C0950123, MeSH D030342.
Niemann-Pick disease, type C1. Also called: NIEMANN-PICK DISEASE, VARIANT TYPE C1; NEUROVISCERAL STORAGE DISEASE WITH VERTICAL SUPRANUCLEAR OPHTHALMOPLEGIA; NIEMANN-PICK DISEASE WITH CHOLESTEROL ESTERIFICATION BLOCK; NIEMANN-PICK DISEASE WITHOUT SPHINGOMYELINASE DEFICIENCY; NIEMANN-PICK DISEASE, CHRONIC NEURONOPATHIC FORM. Identifiers: Orphanet 646, MedGen C3179455, MONDO:0009757, OMIM 257220.

Submissions (3):

Ambry Genetics
Classification: Uncertain significance for Inborn genetic diseases. Last evaluated: 2023-10-25. Review status: criteria provided, single submitter. Criteria: Ambry Variant Classification Scheme 2023. Collection method: clinical testing. Allele origin: germline.

Labcorp Genetics (formerly Invitae), Labcorp
Classification: Uncertain significance for Niemann-Pick disease, type C1. Last evaluated: 2022-11-02. Review status: criteria provided, single submitter. Criteria: Invitae Variant Classification Sherloc (09022015). Collection method: clinical testing. Allele origin: germline.
Comment: This sequence change replaces serine, which is neutral and polar, with arginine, which is basic and polar, at codon 880 of the NPC1 protein (p.Ser880Arg). This variant is not present in population databases (gnomAD no frequency). This variant has not been reported in the literature in individuals affected with NPC1-related conditions. ClinVar contains an entry for this variant (Variation ID: 1437020). Advanced modeling of protein sequence and biophysical properties (such as structural, functional, and spatial information, amino acid conservation, physicochemical variation, residue mobility, and thermodynamic stability) performed at Invitae indicates that this missense variant is not expected to disrupt NPC1 protein function. In summary, the available evidence is currently insufficient to determine the role of this variant in disease. Therefore, it has been classified as a Variant of Uncertain Significance.

Breakthrough Genomics
Classification: Uncertain significance. Review status: criteria provided, single submitter. Criteria: ACMG Guidelines, 2015. Collection method: not provided. Allele origin: germline. Inheritance: Autosomal recessive inheritance. Affected: yes.